The following is an entry in ClinVar:

NM_000051.4(ATM):c.5979_5983del (p.Ser1993fs)

Genes: ATM (ATM serine/threonine kinase; plus strand), C11orf65 (chromosome 11 open reading frame 65; minus strand). Cytogenetic location: 11q22.3.
Variant type: Deletion.
Coding change: c.5979_5983del on transcript NM_000051.4 (MANE Select); coding-DNA positions 5979 to 5983, 5 bases deleted (TAAAG; older notation c.5979_5983delTAAAG).
Protein change: p.Ser1993fs; shifts the reading frame from serine 1993.
Molecular consequence: frameshift variant. On other transcripts: intron variant (2).
Genome position (GRCh38, 1-based): chr11:108,312,471-108,312,475, TAAAG deleted; deleting any 5 consecutive bases within chr11:108,312,467-108,312,475 gives the same sequence; the c. name uses the placement nearest the transcript's 3' end. VCF-style (leftmost placement, unchanged base first): chr11-108312466-AAAAGT-A. GRCh37 (hg19) VCF-style: chr11-108183193-AAAAGT-A.
Other names: c.5979_5983delTAAAG (NM_000051.4); c.5979_5983del (NM_000051.3); c.5979_5983del5 (NM_000051.3); c.5979_5983del, p.Ser1993fs (NM_001351834.2); c.641-3400_641-3396del (NM_001330368.2); c.*39-3400_*39-3396del (NM_001351110.2); short protein forms S1993fs.
Identifiers: ClinVar variation 233016 (VCV000233016.26), dbSNP rs876660134, ClinGen allele CA6265811.

ClinVar aggregate classification (germline): Pathogenic. Review status: criteria provided, multiple submitters, no conflicts (2 of 4 stars). 9 submissions from 9 submitters: Pathogenic (8). 1 of the submissions does not count toward it. Last evaluated 2025-12-26.

Conditions:
ATM-related cancer predisposition. Also called: ATM-related cancer susceptibility. Identifiers: MedGen CN377759, MONDO:0700270.
Hereditary cancer-predisposing syndrome. Also called: Neoplastic Syndromes, Hereditary; Hereditary neoplastic syndrome; Tumor predisposition; Hereditary Cancer Syndrome. Identifiers: Orphanet 140162, MedGen C0027672, MeSH D009386, MONDO:0015356.
Ataxia-telangiectasia syndrome (AT). Also called: Ataxia telangiectasia (A-T); Cerebello-oculocutaneous telangiectasia; Immunodeficiency with ataxia telangiectasia; LOUIS-BAR SYNDROME; AT, COMPLEMENTATION GROUP C; ATAXIA-TELANGIECTASIA, FRESNO VARIANT. Identifiers: Orphanet 100, MedGen C0004135, MONDO:0008840, OMIM 208900.
Familial cancer of breast. Also called: hereditary breast carcinoma; Hereditary breast cancer; BREAST CANCER, FAMILIAL. Identifiers: Orphanet 227535, MedGen C0346153, MONDO:0016419, OMIM 114480. Disease mechanism: loss of function.

Submissions (9):

Labcorp Genetics (formerly Invitae), Labcorp
Classification: Pathogenic for Ataxia-telangiectasia syndrome. Last evaluated: 2025-12-26. Review status: criteria provided, single submitter. Criteria: Invitae Variant Classification Sherloc (09022015). Collection method: clinical testing. Allele origin: germline.
Comment: This sequence change creates a premature translational stop signal (p.Ser1993Argfs*23) in the ATM gene. It is expected to result in an absent or disrupted protein product. Loss-of-function variants in ATM are known to be pathogenic (PMID: 23807571, 25614872). This variant is present in population databases (rs749049519, gnomAD 0.002%). This premature translational stop signal has been observed in individual(s) with ataxia-telangectasia (PMID: 8845835, 17124347, 17910737, 19691550, 23454770). This variant is also known as 5979del5 or 5979delTAAAG. ClinVar contains an entry for this variant (Variation ID: 233016). For these reasons, this variant has been classified as Pathogenic.

GeneKor MSA
Classification: Pathogenic for Hereditary cancer-predisposing syndrome. Last evaluated: 2025-06-25. Review status: criteria provided, single submitter. Criteria: ACMG Guidelines, 2015. Collection method: clinical testing. Allele origin: germline. Affected: yes.
Comment: This sequence change deletes 5 bases in exon 40 of the ATM mRNA (c.5979_5983delTAAAG), causing a frameshift after codon 1993. This creates a premature translational stop signal 23 amino acid residues later -p.(Ser1993Argfs*23)- and is expected to result in an absent or disrupted protein product. Loss-of-function variants in ATM are known to be pathogenic (PMID:23807571, 25614872). This variant has been described in mutation database ClinVar (VCV000233016.25) and it is present in population databases (rs876660134). This variant has been reported in individuals with ataxia-telangiectasia (A-T) (PMID:8845835, 17124347, 17910737, 19691550, 23454770) and in individuals undergoing panel testing for hereditary syndrome (PMID:31159747). Based on the classification criteria set by the ACMG and AMP (PMID:25741868) this variant has been classified as pathogenic.

Color Diagnostics, LLC DBA Color Health
Classification: Pathogenic for Hereditary cancer-predisposing syndrome. Last evaluated: 2024-03-05. Review status: criteria provided, single submitter. Criteria: ACMG Guidelines, 2015. Collection method: clinical testing. Allele origin: germline.
Comment: This variant, also referred to as 5979delTAAAG or 5979del5, deletes 5 nucleotides in exon 40 of the ATM gene, creating a frameshift and premature translation stop signal. This variant is expected to result in an absent or non-functional protein product. This variant has been observed in the compound heterozygous state in individuals affected with autosomal recessive ataxia-telangiectasia (PMID: 8845835, 17124347, 17910737, 19691550, 23454770), indicating that this variant contributes to disease. This variant has also been observed in individuals affected with breast cancer (PMID: 28779002), colorectal cancer (PMID: 34761457), or melanoma (PMID: 32325837, 34262154). This variant has been identified in 2/251034 chromosomes in the general population by the Genome Aggregation Database (gnomAD). Loss of ATM function is a known mechanism of disease. Based on the available evidence, this variant is classified as Pathogenic.

Myriad Genetics, Inc.
Classification: Pathogenic for Familial cancer of breast. Last evaluated: 2024-01-26. Review status: criteria provided, single submitter. Criteria: Myriad Autosomal Dominant, Autosomal Recessive and X-Linked Classification Criteria (2023). Collection method: clinical testing. Allele origin: unknown.
Comment: This variant is considered pathogenic. This variant creates a frameshift predicted to result in premature protein truncation.

Ambry Genetics
Classification: Pathogenic for Hereditary cancer-predisposing syndrome. Last evaluated: 2023-02-22. Review status: criteria provided, single submitter. Criteria: Ambry Variant Classification Scheme 2023. Collection method: clinical testing. Allele origin: germline.
Comment: The c.5979_5983delTAAAG pathogenic mutation, located in coding exon 39 of the ATM gene, results from a deletion of 5 nucleotides at nucleotide positions 5979 to 5983, causing a translational frameshift with a predicted alternate stop codon (p.S1993Rfs*23). In addition to the clinical data presented in the literature, this alteration is expected to result in loss of function by premature protein truncation or nonsense-mediated mRNA decay. As such, this alteration is interpreted as a disease-causing mutation.

Department of Pathology and Laboratory Medicine, Sinai Health System
Classification: Pathogenic for ATM-related cancer predisposition. Last evaluated: 2022-10-17. Review status: criteria provided, single submitter. Criteria: ACMG Guidelines, 2015. Collection method: clinical testing. Allele origin: germline.

Women's Health and Genetics/Laboratory Corporation of America, LabCorp
Classification: Pathogenic for Ataxia-telangiectasia syndrome. Last evaluated: 2022-07-12. Review status: criteria provided, single submitter. Criteria: LabCorp Variant Classification Summary - May 2015. Collection method: clinical testing. Allele origin: germline.
Comment: Variant summary: ATM c.5979_5983delTAAAG (p.Ser1993ArgfsX23) results in a premature termination codon, predicted to cause a truncation of the encoded protein or absence of the protein due to nonsense mediated decay, which are commonly known mechanisms for disease. The variant allele was found at a frequency of 8e-06 in 251034 control chromosomes (gnomAD). c.5979_5983delTAAAG (aka. 5979del5 or 5979delTAAAG) has been reported in the literature in several compound heterozygous individuals affected with Ataxia-Telangiectasia (Gilad_1996, Cavalieri_2006, Magliozzi_2006, Du_2008, Chessa_2009). These data indicate that the variant is likely to be associated with disease. In addition, the variant was also reported in heterozygous state in individuals affected with breast cancer, but was also found in controls (e.g. Droling_2021, via LOVD). At least one publication reported experimental evidence evaluating an impact on protein function, and demonstrated lack of the protein product in patient derived cells from a compound heterozygous patient, who carried a truncating variant in trans (Prodosmo_2013). Five clinical diagnostic laboratories have submitted clinical-significance assessments for this variant to ClinVar after 2014, and all laboratories classified the variant as pathogenic. Based on the evidence outlined above, the variant was classified as pathogenic.

MGZ Medical Genetics Center
Classification: Pathogenic for Ataxia-telangiectasia syndrome. Last evaluated: 2021-10-25. Review status: criteria provided, single submitter. Criteria: ACMG Guidelines, 2015. Collection method: clinical testing. Allele origin: germline. Affected: yes. Observed: 1 variant allele.
Comment: ACMG criteria applied: PVS1, PM3, PM2_SUP

Counsyl
Classification: Pathogenic for Ataxia-telangiectasia syndrome. Last evaluated: 2017-07-19. Review status: no assertion criteria provided. Collection method: clinical testing. Allele origin: unknown. Not counted in ClinVar's aggregate classification.

Literature cited by the submitters: PubMed 23807571 (cited by Labcorp Genetics (formerly Invitae), Labcorp and GeneKor MSA); PubMed 25614872 (cited by Labcorp Genetics (formerly Invitae), Labcorp and GeneKor MSA); PubMed 8845835 (cited by 6 submitters); PubMed 17124347 (cited by 6 submitters); PubMed 17910737 (cited by 3 submitters); PubMed 19691550 (cited by 7 submitters); PubMed 23454770 (cited by 4 submitters); PubMed 31159747 (cited by 3 submitters); PubMed 28779002 (cited by Color Diagnostics, LLC DBA Color Health and Ambry Genetics); PubMed 32325837 (cited by Color Diagnostics, LLC DBA Color Health); PubMed 34262154 (cited by Color Diagnostics, LLC DBA Color Health); PubMed 34761457 (cited by Color Diagnostics, LLC DBA Color Health); PubMed 16941484 (cited by Women's Health and Genetics/Laboratory Corporation of America, LabCorp); PubMed 18321536 (cited by Women's Health and Genetics/Laboratory Corporation of America, LabCorp); PubMed 33471991 (cited by Women's Health and Genetics/Laboratory Corporation of America, LabCorp).